The following is an entry in ClinVar:

ClinVar aggregate classification (germline): Uncertain significance (0 of 4 stars; one submission).

Conditions:
MDN1-related disorder. Also called: MDN1-related condition.

Submission:

PreventionGenetics, part of Exact Sciences
Classification: Uncertain significance for MDN1-related condition. Last evaluated: 2024-09-15. Review status: no assertion criteria provided. Collection method: clinical testing. Allele origin: germline.
Comment: The MDN1 c.9832A>G variant is predicted to result in the amino acid substitution p.Arg3278Gly. To our knowledge, this variant has not been reported in the literature or in a large population database, indicating this variant is rare. At this time, the clinical significance of this variant is uncertain due to the absence of conclusive functional and genetic evidence.

NM_014611.3(MDN1):c.9832A>G (p.Arg3278Gly)

Gene: MDN1 (midasin AAA ATPase 1; minus strand). Cytogenetic location: 6q15.
Variant type: single nucleotide variant.
Coding change: c.9832A>G on transcript NM_014611.3 (MANE Select); coding-DNA position 9832, A replaced by G.
Protein change: p.Arg3278Gly; replaces arginine 3278 with glycine.
Molecular consequence: missense variant.
Genome position (GRCh38, 1-based): chr6:89,694,123, T>C on the plus strand (A>G on the coding strand, the complement: MDN1 is on the minus strand). VCF-style: chr6-89694123-T-C. GRCh37 (hg19) VCF-style: chr6-90403842-T-C.
Other names: short protein forms R3278G.
Identifiers: ClinVar variation 3344922 (VCV003344922.1).